The following is an entry in ClinVar:

ClinVar aggregate classification (germline): Uncertain significance (1 of 4 stars; one submission).

Conditions:
Fanconi anemia (FA). Also called: Fanconi's anemia. Identifiers: Orphanet 84, MedGen C0015625, MeSH D005199, MONDO:0019391.

Allele frequency attached by ClinVar (database versions not stated): gnomAD exomes below 0.00001 and 0.00001; TOPMed below 0.00001.

Submission:

Labcorp Genetics (formerly Invitae), Labcorp
Classification: Uncertain significance for Fanconi anemia. Last evaluated: 2021-11-30. Review status: criteria provided, single submitter. Criteria: Invitae Variant Classification Sherloc (09022015). Collection method: clinical testing. Allele origin: germline.
Comment: This sequence change replaces glutamic acid, which is acidic and polar, with glycine, which is neutral and non-polar, at codon 1202 of the SLX4 protein (p.Glu1202Gly). This variant is present in population databases (no rsID available, gnomAD 0.006%). This variant has not been reported in the literature in individuals affected with SLX4-related conditions. Algorithms developed to predict the effect of missense changes on protein structure and function are either unavailable or do not agree on the potential impact of this missense change (SIFT: "Tolerated"; PolyPhen-2: "Probably Damaging"; Align-GVGD: "Class C0"). In summary, the available evidence is currently insufficient to determine the role of this variant in disease. Therefore, it has been classified as a Variant of Uncertain Significance.

NM_032444.4(SLX4):c.3605A>G (p.Glu1202Gly)

Gene: SLX4 (SLX4 structure-specific endonuclease subunit; minus strand). Cytogenetic location: 16p13.3.
Variant type: single nucleotide variant.
Coding change: c.3605A>G on transcript NM_032444.4 (MANE Select); coding-DNA position 3605, A replaced by G.
Protein change: p.Glu1202Gly; replaces glutamic acid 1202 with glycine.
Molecular consequence: missense variant.
Genome position (GRCh38, 1-based): chr16:3,590,033, T>C on the plus strand (A>G on the coding strand, the complement: SLX4 is on the minus strand). VCF-style: chr16-3590033-T-C. GRCh37 (hg19) VCF-style: chr16-3640034-T-C.
Other names: short protein forms E1202G.
Identifiers: ClinVar variation 1426631 (VCV001426631.6), dbSNP rs1414947508, ClinGen allele CA394519771.
Genomic context (GRCh38, chr16:3,590,033, plus strand): 5'-AGCGCCCCCTCATCCTCCTGCTGCAGCACAGCTTCGCTTCTTGGTGGGCTCTGGGAAGGT[T>C]CCTGATCTGCATCAACATCAATGATGGAAAACAGCTCACAGGACCTAGGGCTAATTTCTA-3'
Protein context (NP_115820.2, residues 1192-1212): FSIIDVDADQ[Glu1202Gly]PSQSPPRSEA